The following is an entry in ClinVar:

NM_016239.4(MYO15A):c.5361-1G>A

Gene: MYO15A (myosin XVA; plus strand). Cytogenetic location: 17p11.2.
Variant type: single nucleotide variant.
Coding change: c.5361-1G>A on transcript NM_016239.4 (MANE Select); the canonical splice acceptor site of the intron before coding-DNA position 5361, G replaced by A.
Molecular consequence: splice acceptor variant.
Genome position (GRCh38, 1-based): chr17:18,140,786, G>A. VCF-style: chr17-18140786-G-A. GRCh37 (hg19) VCF-style: chr17-18044100-G-A.
Identifiers: ClinVar variation 3383948 (VCV003383948.1).

ClinVar aggregate classification (germline): Pathogenic (0 of 4 stars; one submission).

Conditions:
Autosomal recessive nonsyndromic hearing loss 3. Also called: NEUROSENSORY NONSYNDROMIC RECESSIVE DEAFNESS 3. Identifiers: Orphanet 90636, MedGen C1838263, MONDO:0010860, OMIM 600316.

Submission:

Wonkam Laboratory, Johns Hopkins University
Classification: Pathogenic for Autosomal recessive nonsyndromic hearing loss 3. Last evaluated: 2024-01-06. Review status: no assertion criteria provided. Collection method: research. Allele origin: unknown. Inheritance: Autosomal recessive inheritance. Affected: yes. Observed: 2 variant alleles.
Comment: The variant NM_016239.3 c.5361-1G>A is a null variant that is predicted to dirupt the splicing site of MYO15A (PSV1), Absent from controls (or at extremely low frequency if recessive) in Exome Sequencing Project, 1000 Genomes Project, or Exome Aggregation Consortium (PM2), Cosegregation with disease in multiple affected family members in a gene definitively known to cause the disease (PP1), Patient's phenotype or family history is highly specific for a disease with a single genetic etiology (PP4)